The following is an entry in ClinVar:

NM_004714.3(DYRK1B):c.80_81insTTGCG (p.Leu28fs)

Gene: DYRK1B (dual specificity tyrosine phosphorylation regulated kinase 1B; minus strand). Cytogenetic location: 19q13.2.
Variant type: Insertion.
Coding change: c.80_81insTTGCG on transcript NM_004714.3 (MANE Select); coding-DNA positions 80 to 81, TTGCG inserted.
Protein change: p.Leu28fs; shifts the reading frame from leucine 28.
Molecular consequence: frameshift variant.
Genome position: GRCh38 VCF-style: chr19-39830766-C-CCGCAA. GRCh37 (hg19) VCF-style: chr19-40321406-C-CCGCAA.
Other names: c.80_81insTTGCG, p.Leu28fs (NM_006483.3, NM_006484.3); short protein forms L28fs.
Identifiers: ClinVar variation 4998575 (VCV004998575.1).

ClinVar aggregate classification (germline): Uncertain significance (1 of 4 stars; one submission).

Conditions:
DYRK1B-related disorder. Also called: DYRK1B-related condition.

Submission:

PreventionGenetics, part of Exact Sciences
Classification: Uncertain significance for DYRK1B-related condition. Last evaluated: 2026-02-26. Review status: criteria provided, single submitter. Criteria: ACMG Guidelines, 2015. Collection method: clinical testing. Allele origin: germline.
Comment: The DYRK1B c.80_81insTTGCG variant is predicted to result in a frameshift and premature protein termination (p.Leu28Cysfs*63). To our knowledge, this variant has not been reported in the literature or in a large population database (gnomAD), indicating this variant is rare. At this time, the clinical significance of this variant is uncertain due to the absence of conclusive functional and genetic evidence.